The following is an entry in ClinVar:

NM_024747.6(HPS6):c.1715T>C (p.Leu572Pro)

Gene: HPS6 (HPS6 biogenesis of lysosomal organelles complex 2 subunit 3; plus strand). Cytogenetic location: 10q24.32.
Variant type: single nucleotide variant.
Coding change: c.1715T>C on transcript NM_024747.6 (MANE Select); coding-DNA position 1715, T replaced by C.
Protein change: p.Leu572Pro; replaces leucine 572 with proline.
Molecular consequence: missense variant.
Genome position (GRCh38, 1-based): chr10:102,067,189, T>C. VCF-style: chr10-102067189-T-C. GRCh37 (hg19) VCF-style: chr10-103826946-T-C.
Other names: short protein forms L572P.
Identifiers: ClinVar variation 2063231 (VCV002063231.1), dbSNP rs202086504, ClinGen allele CA212201658.

ClinVar aggregate classification (germline): Uncertain significance (1 of 4 stars; one submission).

Allele frequency attached by ClinVar (database versions not stated): gnomAD 0.00001; gnomAD exomes 0.00001; TOPMed 0.00001.
gnomAD v4.1: 15 of 1,613,106 alleles (0.00093%); highest among the groups gnomAD compares: African/African-American, 0.0027%; no homozygotes.

Submission:

Labcorp Genetics (formerly Invitae), Labcorp
Classification: Uncertain significance. Last evaluated: 2021-12-27. Review status: criteria provided, single submitter. Criteria: Invitae Variant Classification Sherloc (09022015). Collection method: clinical testing. Allele origin: germline.
Comment: This sequence change replaces leucine, which is neutral and non-polar, with proline, which is neutral and non-polar, at codon 572 of the HPS6 protein (p.Leu572Pro). This variant is not present in population databases (gnomAD no frequency). This variant has not been reported in the literature in individuals affected with HPS6-related conditions. Algorithms developed to predict the effect of missense changes on protein structure and function (SIFT, PolyPhen-2, Align-GVGD) all suggest that this variant is likely to be disruptive. In summary, the available evidence is currently insufficient to determine the role of this variant in disease. Therefore, it has been classified as a Variant of Uncertain Significance.